The following is an entry in ClinVar:

NM_000548.5(TSC2):c.3519C>T (p.Thr1173=)

Gene: TSC2 (TSC complex subunit 2; plus strand). Cytogenetic location: 16p13.3.
Variant type: single nucleotide variant.
Coding change: c.3519C>T on transcript NM_000548.5 (MANE Select); coding-DNA position 3519, C replaced by T.
Protein change: p.Thr1173=; no amino-acid change (threonine 1173 retained).
Molecular consequence: synonymous variant.
Genome position (GRCh38, 1-based): chr16:2,080,286, C>T. VCF-style: chr16-2080286-C-T. GRCh37 (hg19) VCF-style: chr16-2130287-C-T.
Other names: c.3387C>T, p.Thr1129= (NM_001077183.3, NM_001370404.1); c.3519C>T, p.Thr1173= (NM_001114382.3); c.3279C>T, p.Thr1093= (NM_001318827.2); c.3243C>T, p.Thr1081= (NM_001318829.2); c.2787C>T, p.Thr929= (NM_001318831.2); c.3420C>T, p.Thr1140= (NM_001318832.2); c.3390C>T, p.Thr1130= (NM_001363528.2, NM_001370405.1, NM_021055.3).
Identifiers: ClinVar variation 468019 (VCV000468019.21), dbSNP rs754306983, ClinGen allele CA276746768.
Genomic context (GRCh38, chr16:2,080,286, plus strand): 5'-CACTTCTCCAGGACCACGGACTGCACCAGCCGCGAAACCTGAGAAGGCCTCAGCTGGCAC[C>T]CGGGTTCCTGTGCAGGAGAAGACGAACCTGGCGGCCTATGTGCCCCTGCTGACCCAGGGC-3'
Protein context (NP_000539.2, residues 1163-1183): AAKPEKASAG[Thr1173=]RVPVQEKTNL

ClinVar aggregate classification (germline): Benign/Likely benign. Review status: criteria provided, multiple submitters, no conflicts (2 of 4 stars). 7 submissions from 7 submitters: Benign (2); Likely benign (5). Last evaluated 2026-01-09.

Conditions:
Hereditary cancer-predisposing syndrome. Also called: Hereditary neoplastic syndrome; Neoplastic Syndromes, Hereditary; Tumor predisposition; Hereditary Cancer Syndrome. Identifiers: Orphanet 140162, MedGen C0027672, MeSH D009386, MONDO:0015356.
Tuberous sclerosis syndrome (TSC). Also called: Tuberous Sclerosis Complex; Tuberous sclerosis. Identifiers: Orphanet 805, MedGen C0041341, MONDO:0001734.
Tuberous sclerosis 2 (TSC2). Identifiers: Orphanet 805, MedGen C1860707, MONDO:0013199, OMIM 613254.

Allele frequency attached by ClinVar (database versions not stated): TOPMed 0.00001.
gnomAD v4.1: 2 of 1,612,970 alleles (0.00012%); highest among the groups gnomAD compares: Admixed American, 0.0017%; no homozygotes.

Submissions (7):

Labcorp Genetics (formerly Invitae), Labcorp
Classification: Likely benign for Tuberous sclerosis 2. Last evaluated: 2026-01-09. Review status: criteria provided, single submitter. Criteria: Invitae Variant Classification Sherloc (09022015). Collection method: clinical testing. Allele origin: germline.

Myriad Genetics, Inc.
Classification: Benign for Tuberous sclerosis 2. Last evaluated: 2025-05-29. Review status: criteria provided, single submitter. Criteria: Myriad Autosomal Dominant, Autosomal Recessive and X-Linked Classification Criteria (2023). Collection method: clinical testing. Allele origin: unknown.
Comment: This variant is considered benign. This variant is a silent/synonymous amino acid change and it is not expected to impact splicing.

All of Us Research Program, National Institutes of Health
Classification: Likely benign for Tuberous sclerosis syndrome. Last evaluated: 2024-07-10. Review status: criteria provided, single submitter. Criteria: ACMG Guidelines, 2015. Collection method: clinical testing. Allele origin: germline. Inheritance: Autosomal dominant inheritance. Observed: 1 variant allele, 1 heterozygote.
Comment: This study involves interpretation of variants in research participants for the purpose of population health screening. Participant phenotype was not available at the time of variant classification. Additional details can be found in publication PMID: 35346344, PMCID: PMC8962531

Ambry Genetics
Classification: Likely benign for Hereditary cancer-predisposing syndrome. Last evaluated: 2022-01-12. Review status: criteria provided, single submitter. Criteria: Ambry Variant Classification Scheme 2023. Collection method: clinical testing. Allele origin: germline.

Sema4
Classification: Likely benign for Hereditary cancer-predisposing syndrome. Last evaluated: 2021-11-22. Review status: criteria provided, single submitter. Criteria: Sema4 Curation Guidelines. Collection method: curation. Allele origin: germline.

Genome-Nilou Lab
Classification: Benign for Tuberous sclerosis 2. Last evaluated: 2021-11-07. Review status: criteria provided, single submitter. Criteria: ACMG Guidelines, 2015. Collection method: clinical testing. Allele origin: germline. Affected: no.

GeneDx
Classification: Likely benign. Last evaluated: 2021-03-04. Review status: criteria provided, single submitter. Criteria: GeneDx Variant Classification Process June 2021. Collection method: clinical testing. Allele origin: germline. Affected: yes.